The following is an entry in ClinVar:

NM_002691.4(POLD1):c.1358G>A (p.Gly453Asp)

Gene: POLD1 (DNA polymerase delta 1, catalytic subunit; plus strand). Cytogenetic location: 19q13.33.
Variant type: single nucleotide variant.
Coding change: c.1358G>A on transcript NM_002691.4 (MANE Select); coding-DNA position 1358, G replaced by A.
Protein change: p.Gly453Asp; replaces glycine 453 with aspartic acid.
Molecular consequence: missense variant. On other transcripts: non-coding transcript variant (1).
Genome position (GRCh38, 1-based): chr19:50,406,297, G>A. VCF-style: chr19-50406297-G-A. GRCh37 (hg19) VCF-style: chr19-50909554-G-A.
Other names: c.1358G>A, p.Gly453Asp (NM_001256849.1, NM_001308632.1); short protein forms G453D.
Identifiers: ClinVar variation 1770745 (VCV001770745.2), dbSNP rs924421666, ClinGen allele CA309601755.

ClinVar aggregate classification (germline): Uncertain significance (1 of 4 stars; one submission).

Conditions:
Hereditary cancer-predisposing syndrome. Also called: Hereditary Cancer Syndrome; Hereditary neoplastic syndrome; Neoplastic Syndromes, Hereditary; Tumor predisposition. Identifiers: Orphanet 140162, MedGen C0027672, MeSH D009386, MONDO:0015356.

Allele frequency attached by ClinVar (database versions not stated): gnomAD 0.00001; TOPMed 0.00001.
gnomAD v4.1: 1 of 1,613,868 alleles (0.000062%); highest among the groups gnomAD compares: Admixed American, 0.0017%; no homozygotes.

Submission:

Ambry Genetics
Classification: Uncertain significance for Hereditary cancer-predisposing syndrome. Last evaluated: 2021-09-13. Review status: criteria provided, single submitter. Criteria: Ambry Variant Classification Scheme 2023. Collection method: clinical testing. Allele origin: germline.
Comment: The p.G453D variant (also known as c.1358G>A), located in coding exon 10 of the POLD1 gene, results from a G to A substitution at nucleotide position 1358. The glycine at codon 453 is replaced by aspartic acid, an amino acid with similar properties. This amino acid position is conserved. In addition, this alteration is predicted to be deleterious by in silico analysis. Since supporting evidence is limited at this time, the clinical significance of this alteration remains unclear.